The following is an entry in ClinVar:

NC_000001.10:g.(?_1167616)_(1170422_?)dup

Gene: B3GALT6 (beta-1,3-galactosyltransferase 6; plus strand). Cytogenetic location: 1p36.33.
Variant type: Duplication.
Identifiers: ClinVar variation 4526126 (VCV004526126.1).

ClinVar aggregate classification (germline): Uncertain significance (1 of 4 stars; one submission).

Submission:

Women's Health and Genetics/Laboratory Corporation of America, LabCorp
Classification: Uncertain significance. Last evaluated: 2025-07-07. Review status: criteria provided, single submitter. Criteria: LabCorp Variant Classification Summary - May 2015. Collection method: clinical testing. Allele origin: germline.
Comment: Variant summary: The variant involves the duplication of exon 1 in the B3GALT6 gene. A presumed nomenclature of c.(?_-43)_(*1774_?)dup has been designated for the purposes of this classification. This duplication includes the entire coding sequence of the gene. As exact breakpoints are unknown, it may extend beyond the annotated region of the gene, to include other flanking genes. The frequency of this variant in the general population could not be determined as the technology used for large population databases (ExAC, gnomAD, ESP, 1000G) cannot detect variants of this type. The available data on variant occurrences in the general population are insufficient to allow any conclusion about variant significance. To our knowledge, no occurrence of c.(?_-43)_(*1774_?)dup in individuals affected with Spondyloepimetaphyseal dysplasia with joint laxity, type 1, with or without fractures and no experimental evidence demonstrating its impact on protein function have been reported. No submitters have cited clinical-significance assessments for this variant to ClinVar. Based on the evidence outlined above, the variant was classified as uncertain significance.